The following is an entry in ClinVar:

NM_006876.3(B4GAT1):c.128A>G (p.Asp43Gly)

Gene: B4GAT1 (beta-1,4-glucuronyltransferase 1; minus strand). Cytogenetic location: 11q13.2.
Variant type: single nucleotide variant.
Coding change: c.128A>G on transcript NM_006876.3 (MANE Select); coding-DNA position 128, A replaced by G.
Protein change: p.Asp43Gly; replaces aspartic acid 43 with glycine.
Molecular consequence: missense variant.
Genome position (GRCh38, 1-based): chr11:66,347,418, T>C on the plus strand (A>G on the coding strand, the complement: B4GAT1 is on the minus strand). VCF-style: chr11-66347418-T-C. GRCh37 (hg19) VCF-style: chr11-66114889-T-C.
Other names: short protein forms D43G.
Identifiers: ClinVar variation 1346739 (VCV001346739.6), dbSNP rs1249218517, ClinGen allele CA381419039.
Genomic context (GRCh38, chr11:66,347,418, plus strand): 5'-AGCTGCGCCTTGACCTGGTCCACGGACCGTGGGGACGGGGGAAAGAACTCAAAATATTGG[T>C]CTTGCTCCTCCTGCCCGTGCAGTCCGGACAGCAGCGACAGGTAGAGCAGCTGCAGCATCG-3'
Protein context (NP_006867.1, residues 33-53): LSGLHGQEEQ[Asp43Gly]QYFEFFPPSP

ClinVar aggregate classification (germline): Uncertain significance (1 of 4 stars; one submission).

Conditions:
Muscular dystrophy-dystroglycanopathy (congenital with brain and eye anomalies), type A13. Also called: WALKER-WARBURG SYNDROME OR MUSCLE-EYE-BRAIN DISEASE, B3GNT1-RELATED; Muscular dystrophy-dystroglycanopathy (congenital with brain and eye anomalies), type a, 13. Identifiers: Orphanet 899, MedGen C3809042, MONDO:0014120, OMIM 615287.

Allele frequency attached by ClinVar (database versions not stated): gnomAD exomes below 0.00001; gnomAD 0.00001.
gnomAD v4.1: 4 of 1,579,194 alleles (0.00025%); highest among the groups gnomAD compares: African/African-American, 0.0054%; no homozygotes.

Submission:

Labcorp Genetics (formerly Invitae), Labcorp
Classification: Uncertain significance for Muscular dystrophy-dystroglycanopathy (congenital with brain and eye anomalies), type A13. Last evaluated: 2021-11-11. Review status: criteria provided, single submitter. Criteria: Invitae Variant Classification Sherloc (09022015). Collection method: clinical testing. Allele origin: germline.
Comment: In summary, the available evidence is currently insufficient to determine the role of this variant in disease. Therefore, it has been classified as a Variant of Uncertain Significance. Algorithms developed to predict the effect of missense changes on protein structure and function (SIFT, PolyPhen-2, Align-GVGD) all suggest that this variant is likely to be tolerated. This variant has not been reported in the literature in individuals affected with B4GAT1-related conditions. The frequency data for this variant in the population databases is considered unreliable, as metrics indicate poor data quality at this position in the gnomAD database. This sequence change replaces aspartic acid, which is acidic and polar, with glycine, which is neutral and non-polar, at codon 43 of the B4GAT1 protein (p.Asp43Gly).